The following is an entry in ClinVar:

NM_000059.4(BRCA2):c.308T>G (p.Leu103Ter)

Gene: BRCA2 (BRCA2 DNA repair associated; plus strand). Cytogenetic location: 13q13.1.
Variant type: single nucleotide variant.
Coding change: c.308T>G on transcript NM_000059.4 (MANE Select); coding-DNA position 308, T replaced by G.
Protein change: p.Leu103Ter; replaces leucine 103 with a stop codon.
Molecular consequence: nonsense. On other transcripts: 5 prime UTR variant (1), non-coding transcript variant (1).
Genome position (GRCh38, 1-based): chr13:32,319,317, T>G. VCF-style: chr13-32319317-T-G. GRCh37 (hg19) VCF-style: chr13-32893454-T-G.
Other names: c.308T>G, p.Leu103Ter (NM_001406719.1, NM_001406720.1, NM_001406721.1); c.-62T>G (NM_001406722.1); short protein forms L103*.
Identifiers: ClinVar variation 3226144 (VCV003226144.1), dbSNP rs2138705883, ClinGen allele CA387754705.

ClinVar aggregate classification (germline): Pathogenic (1 of 4 stars; one submission).

Conditions:
Hereditary cancer-predisposing syndrome. Also called: Neoplastic Syndromes, Hereditary; Tumor predisposition; Hereditary neoplastic syndrome; Hereditary Cancer Syndrome. Identifiers: Orphanet 140162, MedGen C0027672, MeSH D009386, MONDO:0015356.

Submission:

Ambry Genetics
Classification: Pathogenic for Hereditary cancer-predisposing syndrome. Last evaluated: 2023-10-24. Review status: criteria provided, single submitter. Criteria: Ambry Variant Classification Scheme 2023. Collection method: clinical testing. Allele origin: germline.
Comment: The p.L103* pathogenic mutation (also known as c.308T>G), located in coding exon 2 of the BRCA2 gene, results from a T to G substitution at nucleotide position 308. This changes the amino acid from a leucine to a stop codon within coding exon 2. This alteration is expected to result in loss of function by premature protein truncation or nonsense-mediated mRNA decay. As such, this alteration is interpreted as a disease-causing mutation.